The following is an entry in ClinVar:

NM_001271.4(CHD2):c.2740C>T (p.Arg914Cys)

Gene: CHD2 (chromodomain helicase DNA binding protein 2; plus strand). Cytogenetic location: 15q26.1.
Variant type: single nucleotide variant.
Coding change: c.2740C>T on transcript NM_001271.4 (MANE Select); coding-DNA position 2740, C replaced by T.
Protein change: p.Arg914Cys; replaces arginine 914 with cysteine.
Molecular consequence: missense variant.
Genome position (GRCh38, 1-based): chr15:92,979,147, C>T. VCF-style: chr15-92979147-C-T. GRCh37 (hg19) VCF-style: chr15-93522377-C-T.
Other names: short protein forms R914C.
Identifiers: ClinVar variation 546448 (VCV000546448.4), dbSNP rs1488275340, ClinGen allele CA393894029.

ClinVar aggregate classification (germline): Uncertain significance. Review status: criteria provided, multiple submitters, no conflicts (2 of 4 stars). 2 submissions from 2 submitters: Uncertain significance (2). Last evaluated 2022-07-31.

Conditions:
Inborn genetic diseases. Identifiers: MedGen C0950123, MeSH D030342.

Allele frequency attached by ClinVar (database versions not stated): gnomAD exomes below 0.00001; gnomAD 0.00001.
gnomAD v4.1: 3 of 1,613,654 alleles (0.00019%); highest among the groups gnomAD compares: Non-Finnish European, 0.00025%; no homozygotes.

Submissions (2):

Ambry Genetics
Classification: Uncertain significance for Inborn genetic diseases. Last evaluated: 2022-07-31. Review status: criteria provided, single submitter. Criteria: Ambry Variant Classification Scheme 2023. Collection method: clinical testing. Allele origin: germline.

GeneDx
Classification: Uncertain significance. Last evaluated: 2018-05-23. Review status: criteria provided, single submitter. Criteria: GeneDx Variant Classification (06012015). Collection method: clinical testing. Allele origin: germline. Affected: yes.
Comment: A variant of uncertain significance has been identified in the CHD2 gene. The R914C variant has not been published as a pathogenic variant, nor has it been reported as a benign variant to our knowledge. The R914C variant is observed in 1/14996 (0.01%) allele from individuals of European background in large population cohorts (Lek et al., 2016). The R914C variant is a non-conservative amino acid substitution, which is likely to impact secondary protein structure as these residues differ in polarity, charge, size and/or other properties. In-silico analyses, including protein predictors and evolutionary conservation, support a deleterious effect. Based on the currently available information, it is unclear whether this variant is a pathogenic variant or a rare benign variant.

Literature cited by the submitters: PubMed 31677157 (cited by Ambry Genetics).